The following is an entry in ClinVar:

NM_001365276.2(TNXB):c.4562C>T (p.Ala1521Val)

Gene: TNXB (tenascin XB; minus strand). Cytogenetic location: 6p21.33.
Variant type: single nucleotide variant.
Coding change: c.4562C>T on transcript NM_001365276.2 (MANE Select); coding-DNA position 4562, C replaced by T.
Protein change: p.Ala1521Val; replaces alanine 1521 with valine.
Molecular consequence: missense variant.
Genome position (GRCh38, 1-based): chr6:32,073,766, G>A on the plus strand (C>T on the coding strand, the complement: TNXB is on the minus strand). VCF-style: chr6-32073766-G-A. GRCh37 (hg19) VCF-style: chr6-32041543-G-A.
Other names: p.Ala1521Val; c.4562C>T, p.Ala1521Val (NM_019105.8); short protein forms A1521V.
Identifiers: ClinVar variation 546997 (VCV000546997.56), dbSNP rs146120469, ClinGen allele CA3734927.

ClinVar aggregate classification (germline): Benign/Likely benign. Review status: criteria provided, multiple submitters, no conflicts (2 of 4 stars). 12 submissions from 12 submitters: Benign (4); Likely benign (5). 3 of the submissions do not count toward it. Last evaluated 2026-04-16.

Conditions:
Cardiovascular phenotype. Identifiers: MedGen CN230736.
Ehlers-Danlos syndrome (EDS). Identifiers: Orphanet 98249, MedGen C0013720, MONDO:0020066.

Allele frequency attached by ClinVar (database versions not stated): ESP Exome Variant Server 0.00321; gnomAD 0.00321 and 0.00316; TOPMed 0.00369; gnomAD exomes 0.00214 and 0.00246; ExAC 0.00277; 1000 Genomes Project 0.00399; 1000 Genomes Project 30x 0.00437.
gnomAD v4.1: 3,630 of 1,612,220 alleles (0.23%); highest among the groups gnomAD compares: Middle Eastern, 1%; 13 homozygotes.

Submissions (12):

Women's Health and Genetics/Laboratory Corporation of America, LabCorp
Classification: Likely benign. Last evaluated: 2026-04-16. Review status: criteria provided, single submitter. Criteria: LabCorp Variant Classification Summary - May 2015. Collection method: clinical testing. Allele origin: germline.
Comment: Variant summary: TNXB c.4562C>T (p.Ala1521Val) results in a non-conservative amino acid change in the encoded protein sequence. Algorithms developed to predict the effect of missense changes on protein structure and function are either unavailable or do not agree on the potential impact of this missense change. The variant allele was found at a frequency of 0.0025 in 243414 control chromosomes, predominantly at a frequency of 0.0068 within the African or African-American subpopulation in the gnomAD database. The observed variant frequency within African or African-American control individuals in the gnomAD database exceeds the estimated maximal expected allele frequency for disease-causing variants in TNXB. To our knowledge, no occurrence of c.4562C>T in individuals affected with TNXB-related conditions and no experimental evidence demonstrating its impact on protein function have been reported. ClinVar contains an entry for this variant (Variation ID: 546997). Based on the evidence outlined above, the variant was classified as likely benign.

Labcorp Genetics (formerly Invitae), Labcorp
Classification: Benign. Last evaluated: 2026-01-26. Review status: criteria provided, single submitter. Criteria: Invitae Variant Classification Sherloc (09022015). Collection method: clinical testing. Allele origin: germline.

CeGaT Center for Human Genetics Tuebingen
Classification: Likely benign. Last evaluated: 2025-07-01. Review status: criteria provided, single submitter. Criteria: CeGaT Center For Human Genetics Tuebingen Variant Classification Criteria Version 2. Collection method: clinical testing. Allele origin: germline. Affected: yes. Observed: 11 variant alleles.
Comment: TNXB: BP4, BS2

Blueprint Genetics
Classification: Likely benign. Last evaluated: 2024-11-26. Review status: criteria provided, single submitter. Criteria: ACMG Guidelines, 2015. Collection method: clinical testing. Allele origin: germline.

Mayo Clinic Laboratories, Mayo Clinic
Classification: Benign. Last evaluated: 2024-11-26. Review status: criteria provided, single submitter. Criteria: ACMG Guidelines, 2015. Collection method: clinical testing. Allele origin: germline. Observed: 17 variant alleles.
Comment: BS1, BS2, BP4_moderate

Genome Diagnostics Laboratory, The Hospital for Sick Children
Classification: Benign for Ehlers-Danlos syndrome. Last evaluated: 2022-07-15. Review status: criteria provided, single submitter. Criteria: ACMG Guidelines, 2015. Collection method: clinical testing. Allele origin: germline.

Ambry Genetics
Classification: Likely benign for Cardiovascular phenotype. Last evaluated: 2021-06-15. Review status: criteria provided, single submitter. Criteria: Ambry Variant Classification Scheme 2023. Collection method: clinical testing. Allele origin: germline.

GeneDx
Classification: Benign. Last evaluated: 2020-11-24. Review status: criteria provided, single submitter. Criteria: GeneDx Variant Classification Process June 2021. Collection method: clinical testing. Allele origin: germline. Affected: yes.

Breakthrough Genomics
Classification: Likely benign. Review status: criteria provided, single submitter. Criteria: ACMG Guidelines, 2015. Collection method: not provided. Allele origin: germline. Inheritance: Autosomal recessive inheritance. Affected: yes.

Clinical Genetics DNA and cytogenetics Diagnostics Lab, Erasmus MC, Erasmus Medical Center
Classification: Likely benign. Review status: no assertion criteria provided. Collection method: clinical testing. Allele origin: germline. Affected: yes. Study: VKGL Data-share Consensus. Not counted in ClinVar's aggregate classification.

Genome Diagnostics Laboratory, Amsterdam University Medical Center
Classification: Likely benign. Review status: no assertion criteria provided. Collection method: clinical testing. Allele origin: germline. Affected: yes. Study: VKGL Data-share Consensus. Not counted in ClinVar's aggregate classification.

Genome Diagnostics Laboratory, University Medical Center Utrecht
Classification: Likely benign. Review status: no assertion criteria provided. Collection method: clinical testing. Allele origin: germline. Affected: yes. Study: VKGL Data-share Consensus. Not counted in ClinVar's aggregate classification.